The following is an entry in ClinVar:

ClinVar aggregate classification (germline): Uncertain significance (1 of 4 stars; one submission).

Submission:

CeGaT Center for Human Genetics Tuebingen
Classification: Uncertain significance. Last evaluated: 2025-07-01. Review status: criteria provided, single submitter. Criteria: CeGaT Center For Human Genetics Tuebingen Variant Classification Criteria Version 2. Collection method: clinical testing. Allele origin: germline. Affected: yes. Observed: 1 variant allele.
Comment: ROBO2: PM2

NM_001395656.1(ROBO2):c.4289C>T (p.Ala1430Val)

Gene: ROBO2 (roundabout guidance receptor 2; plus strand). Cytogenetic location: 3p12.3.
Variant type: single nucleotide variant.
Coding change: c.4289C>T on transcript NM_001395656.1 (MANE Select); coding-DNA position 4289, C replaced by T.
Protein change: p.Ala1430Val; replaces alanine 1430 with valine.
Molecular consequence: missense variant.
Genome position (GRCh38, 1-based): chr3:77,644,773, C>T. VCF-style: chr3-77644773-C-T. GRCh37 (hg19) VCF-style: chr3-77693924-C-T.
Other names: c.4052C>T, p.Ala1351Val (NM_001128929.3); c.4016C>T, p.Ala1339Val (NM_001290039.2); c.4199C>T, p.Ala1400Val (NM_001290040.2, NM_001395657.1); c.2225C>T, p.Ala742Val (NM_001290065.2); c.4337C>T, p.Ala1446Val (NM_001378190.1); c.4463C>T, p.Ala1488Val (NM_001378191.1); c.4358C>T, p.Ala1453Val (NM_001378192.1); c.4277C>T, p.Ala1426Val (NM_001378193.1); and 11 more; short protein forms A1297V, A1335V, A1336V, A1339V, A1351V, A1355V, A1358V, A1362V.
Identifiers: ClinVar variation 4085504 (VCV004085504.8).